The following is an entry in ClinVar:

ClinVar aggregate classification (germline): Likely benign. Review status: criteria provided, multiple submitters, no conflicts (2 of 4 stars). 2 submissions from 2 submitters: Likely benign (2). Last evaluated 2026-01-28.

Conditions:
LAMA3-related disorder. Also called: LAMA3-related condition; LAMA3-related disorders.

Allele frequency attached by ClinVar (database versions not stated): TOPMed 0.00023; ESP Exome Variant Server 0.00008; ExAC 0.00012; gnomAD 0.00017 and 0.00018; gnomAD exomes 0.00017.
gnomAD v4.1: 609 of 1,552,174 alleles (0.039%); highest among the groups gnomAD compares: Non-Finnish European, 0.047%; 1 homozygote.

Submissions (2):

Labcorp Genetics (formerly Invitae), Labcorp
Classification: Likely benign. Last evaluated: 2026-01-28. Review status: criteria provided, single submitter. Criteria: Invitae Variant Classification Sherloc (09022015). Collection method: clinical testing. Allele origin: germline.

PreventionGenetics, part of Exact Sciences
Classification: Likely benign for LAMA3-related condition. Last evaluated: 2025-01-14. Review status: criteria provided, single submitter. Criteria: ACMG Guidelines, 2015. Collection method: clinical testing. Allele origin: germline.
Comment: This variant is classified as likely benign based on ACMG/AMP sequence variant interpretation guidelines (Richards et al. 2015 PMID: 25741868, with internal and published modifications).

NM_198129.4(LAMA3):c.5410+8C>T

Gene: LAMA3 (laminin subunit alpha 3; plus strand). Cytogenetic location: 18q11.2.
Variant type: single nucleotide variant.
Coding change: c.5410+8C>T on transcript NM_198129.4 (MANE Select); 8 bases into the intron after coding-DNA position 5410, C replaced by T.
Molecular consequence: intron variant.
Genome position (GRCh38, 1-based): chr18:23,890,125, C>T. VCF-style: chr18-23890125-C-T. GRCh37 (hg19) VCF-style: chr18-21470089-C-T.
Other names: c.5410+8C>T (NM_001127717.4); c.583+8C>T (NM_000227.6, NM_001127718.4).
Identifiers: ClinVar variation 737906 (VCV000737906.11), dbSNP rs377137540, ClinGen allele CA8916019.
Genomic context (GRCh38, chr18:23,890,125, plus strand): 5'-ATGCAGTTGTAACAGCAATGGCCAGCTGGGCAGCTGTCATCCCCTGACTGGAGGTAAGGC[C>T]GACCCACACCCCTGCTAACTTGCATTTATAAAGCTGGTATAACTTAACAGCCTAAGAACC-3'